The following is an entry in ClinVar:

ClinVar aggregate classification (germline): Uncertain significance. Review status: criteria provided, multiple submitters, no conflicts (2 of 4 stars). 4 submissions from 4 submitters: Uncertain significance (4). Last evaluated 2025-08-05.

Conditions:
Tuberous sclerosis 1 (TSC1). Identifiers: Orphanet 805, MedGen C1854465, MONDO:0008612, OMIM 191100.
Hereditary cancer-predisposing syndrome. Also called: Hereditary neoplastic syndrome; Neoplastic Syndromes, Hereditary; Tumor predisposition; Hereditary Cancer Syndrome. Identifiers: Orphanet 140162, MedGen C0027672, MeSH D009386, MONDO:0015356.

Allele frequency attached by ClinVar (database versions not stated): TOPMed below 0.00001.

Submissions (4):

Labcorp Genetics (formerly Invitae), Labcorp
Classification: Uncertain significance for Tuberous sclerosis 1. Last evaluated: 2025-08-05. Review status: criteria provided, single submitter. Criteria: Invitae Variant Classification Sherloc (09022015). Collection method: clinical testing. Allele origin: germline.
Comment: This sequence change replaces alanine, which is neutral and non-polar, with valine, which is neutral and non-polar, at codon 759 of the TSC1 protein (p.Ala759Val). This variant is not present in population databases (gnomAD no frequency). This variant has not been reported in the literature in individuals affected with TSC1-related conditions. ClinVar contains an entry for this variant (Variation ID: 466071). Invitae Evidence Modeling of protein sequence and biophysical properties (such as structural, functional, and spatial information, amino acid conservation, physicochemical variation, residue mobility, and thermodynamic stability) indicates that this missense variant is not expected to disrupt TSC1 protein function with a negative predictive value of 95%. In summary, the available evidence is currently insufficient to determine the role of this variant in disease. Therefore, it has been classified as a Variant of Uncertain Significance.

Ambry Genetics
Classification: Uncertain significance for Hereditary cancer-predisposing syndrome. Last evaluated: 2025-07-22. Review status: criteria provided, single submitter. Criteria: Ambry Variant Classification Scheme 2023. Collection method: clinical testing. Allele origin: germline.
Comment: The p.A759V variant (also known as c.2276C>T), located in coding exon 16 of the TSC1 gene, results from a C to T substitution at nucleotide position 2276. The alanine at codon 759 is replaced by valine, an amino acid with similar properties. This amino acid position is conserved. In addition, this alteration is predicted to be tolerated by in silico analysis. Based on the available evidence, the clinical significance of this variant remains unclear.

GeneDx
Classification: Uncertain significance. Last evaluated: 2024-12-01. Review status: criteria provided, single submitter. Criteria: GeneDx Variant Classification Process June 2021. Collection method: clinical testing. Allele origin: germline. Affected: yes.
Comment: Not observed at significant frequency in large population cohorts (gnomAD); In silico analysis indicates that this missense variant does not alter protein structure/function; Has not been previously published as pathogenic or benign to our knowledge; This variant is associated with the following publications: (PMID: 18466115)

St. Jude Molecular Pathology, St. Jude Children's Research Hospital
Classification: Uncertain significance for Tuberous sclerosis 1. Last evaluated: 2021-12-21. Review status: criteria provided, single submitter. Criteria: St. Jude Assertion Criteria 2020. Collection method: clinical testing. Allele origin: germline.
Comment: The TSC1 c.2276C>T (p.Ala759Val) missense change is absent form gnomAD v2.1.1 (PM2_supporting). Five of seven in silico tools predict a benign effect of this variant on protein function (BP4), but to our knowledge these predictions have not been confirmed by functional assays. To our knowledge, this variant has not been reported in individuals with tuberous sclerosis complex. In summary, this variant meets criteria to be classified as of uncertain significance based on the ACMG/AMP criteria: PM2_supporting, BP4.

NM_000368.5(TSC1):c.2276C>T (p.Ala759Val)

Gene: TSC1 (TSC complex subunit 1; minus strand). Cytogenetic location: 9q34.13.
Variant type: single nucleotide variant.
Coding change: c.2276C>T on transcript NM_000368.5 (MANE Select); coding-DNA position 2276, C replaced by T.
Protein change: p.Ala759Val; replaces alanine 759 with valine.
Molecular consequence: missense variant.
Genome position (GRCh38, 1-based): chr9:132,902,720, G>A on the plus strand (C>T on the coding strand, the complement: TSC1 is on the minus strand). VCF-style: chr9-132902720-G-A. GRCh37 (hg19) VCF-style: chr9-135778107-G-A.
Other names: c.2273C>T, p.Ala758Val (NM_001162426.2); c.2123C>T, p.Ala708Val (NM_001162427.2); c.1913C>T, p.Ala638Val (NM_001362177.2); short protein forms A759V, A708V, A758V, A638V.
Identifiers: ClinVar variation 466071 (VCV000466071.14), dbSNP rs1554815021, ClinGen allele CA375359799.
Genomic context (GRCh38, chr9:132,902,720, plus strand): 5'-ATCTGGCTGTGGAGCTTGGTTACCATAGTGTCACGCTGCTCCTGGAGCTGATTGTATCTA[G>A]CTTGTTCTTTCTGCAGACTAACCTTCCACATCTGGATGTCCTTCTCTTGTAACTTCAACT-3'
Protein context (NP_000359.1, residues 749-769): MWKVSLQKEQ[Ala759Val]RYNQLQEQRD